The following is an entry in ClinVar:

ClinVar aggregate classification (germline): Uncertain significance. Review status: criteria provided, multiple submitters, no conflicts (2 of 4 stars). 4 submissions from 4 submitters: Uncertain significance (4). Last evaluated 2026-08-14.

Conditions:
Inborn genetic diseases. Identifiers: MedGen C0950123, MeSH D030342.
PKD1-related disorder. Also called: PKD1-related condition.
Polycystic kidney disease, adult type (PKD1). Also called: Polycystic Kidney Disease 1, Autosomal Dominant; Polycystic kidney disease 1; Polycystic kidney disease 1, severe; POLYCYSTIC KIDNEY DISEASE, ADULT, TYPE I; Polycystic Kidney, Autosomal Dominant; POLYCYSTIC KIDNEY DISEASE 1 WITH OR WITHOUT POLYCYSTIC LIVER DISEASE. Identifiers: MedGen C3149841, MONDO:0008263, OMIM 173900.

Allele frequency attached by ClinVar (database versions not stated): gnomAD 0.00002; gnomAD exomes 0.00003.
gnomAD v4.1: 53 of 1,589,684 alleles (0.0033%); highest among the groups gnomAD compares: Non-Finnish European, 0.0044%; no homozygotes.

Submissions (4):

PreventionGenetics, part of Exact Sciences
Classification: Uncertain significance for PKD1-related condition. Last evaluated: 2026-08-14. Review status: criteria provided, single submitter. Criteria: ACMG Guidelines, 2015. Collection method: clinical testing. Allele origin: germline.
Comment: The PKD1 c.7479C>G variant is predicted to result in the amino acid substitution p.Phe2493Leu. To our knowledge, this variant has not been reported in the literature. This variant is reported in 0.0066% of alleles in individuals of European (Non-Finnish) descent in gnomAD. At this time, the clinical significance of this variant is uncertain due to the absence of conclusive functional and genetic evidence.

Ambry Genetics
Classification: Uncertain significance for Inborn genetic diseases. Last evaluated: 2025-08-31. Review status: criteria provided, single submitter. Criteria: Ambry Variant Classification Scheme 2023. Collection method: clinical testing. Allele origin: germline.

Victorian Clinical Genetics Services, Murdoch Childrens Research Institute
Classification: Uncertain significance for Polycystic kidney disease, adult type. Last evaluated: 2024-09-22. Review status: criteria provided, single submitter. Criteria: ACMG Guidelines, 2015. Collection method: clinical testing. Allele origin: germline. Inheritance: Autosomal dominant inheritance. Affected: yes.
Comment: Based on the classification scheme VCGS_Germline_v1.3.4, this variant is classified as VOUS. Following criteria are met: 0102 - Loss of function is a known mechanism of disease in this gene and is associated with Polycystic kidney disease 1 (MIM#173900). (I) 0107 - This gene is associated with autosomal dominant disease. Polycystic kidney disease 1 (MIM#173900) is predominantly caused by monoallelic variants, with rare reports of biallelic variants causing disease (OMIM). (I) 0200 - Variant is predicted to result in a missense amino acid change from phenylalanine to leucine. (I) 0251 - This variant is heterozygous. (I) 0302 - Variant is present in gnomAD (v2) <0.001 for a dominant condition (5 heterozygotes, 0 homozygotes. (SP) 0502 - Missense variant with conflicting in silico predictions and uninformative conservation. (I) 0600 - Variant is located in the annotated REJ module of PKD1 (DECIPHER). (I) 0705 - No comparable missense variants have previous evidence for pathogenicity. This variant has been reported twice in ClinVar as a variant of unknown significance. (I) 0809 - Previous evidence of pathogenicity for this variant is inconclusive.. (I) 0905 - No published segregation evidence has been identified for this variant. (I) 1007 - No published functional evidence has been identified for this variant. (I) 1208 - Inheritance information for this variant is not currently available in this individual. (I) Legend: (SP) - Supporting pathogenic, (I) - Information, (SB) - Supporting benign

Athena Diagnostics
Classification: Uncertain significance. Last evaluated: 2019-07-30. Review status: criteria provided, single submitter. Criteria: Athena Diagnostics Criteria. Collection method: clinical testing. Allele origin: germline.

NM_001009944.3(PKD1):c.7479C>G (p.Phe2493Leu)

Gene: PKD1 (polycystin 1, transient receptor potential channel interacting; minus strand). Cytogenetic location: 16p13.3.
Variant type: single nucleotide variant.
Coding change: c.7479C>G on transcript NM_001009944.3 (MANE Select); coding-DNA position 7479, C replaced by G.
Protein change: p.Phe2493Leu; replaces phenylalanine 2493 with leucine.
Molecular consequence: missense variant.
Genome position (GRCh38, 1-based): chr16:2,106,408, G>C on the plus strand (C>G on the coding strand, the complement: PKD1 is on the minus strand). VCF-style: chr16-2106408-G-C. GRCh37 (hg19) VCF-style: chr16-2156409-G-C.
Other names: c.7479C>G, p.Phe2493Leu (NM_000296.4); c.7479C>G (NM_001009944.2); short protein forms F2493L.
Identifiers: ClinVar variation 805182 (VCV000805182.6), dbSNP rs752349510, ClinGen allele CA7831116.